The following is an entry in ClinVar:

ClinVar aggregate classification (germline): Uncertain significance (1 of 4 stars; one submission).

gnomAD v4.1: 1 of 1,613,004 alleles (0.000062%); highest among the groups gnomAD compares: Non-Finnish European, 0.000085%; no homozygotes.

Submission:

GeneDx
Classification: Uncertain significance. Last evaluated: 2024-07-20. Review status: criteria provided, single submitter. Criteria: GeneDx Variant Classification Process June 2021. Collection method: clinical testing. Allele origin: germline. Affected: yes.
Comment: Not observed at significant frequency in large population cohorts (gnomAD); In silico analysis supports that this missense variant has a deleterious effect on protein structure/function; Has not been previously published as pathogenic or benign to our knowledge

NM_003587.5(DHX16):c.1450G>C (p.Glu484Gln)

Gene: DHX16 (DEAH-box helicase 16; minus strand). Cytogenetic location: 6p21.33.
Variant type: single nucleotide variant.
Coding change: c.1450G>C on transcript NM_003587.5 (MANE Select); coding-DNA position 1450, G replaced by C.
Protein change: p.Glu484Gln; replaces glutamic acid 484 with glutamine.
Molecular consequence: missense variant. On other transcripts: 5 prime UTR variant (1).
Genome position (GRCh38, 1-based): chr6:30,662,721, C>G on the plus strand (G>C on the coding strand, the complement: DHX16 is on the minus strand). VCF-style: chr6-30662721-C-G. GRCh37 (hg19) VCF-style: chr6-30630498-C-G.
Other names: c.1270G>C, p.Glu424Gln (NM_001164239.2); c.-670G>C (NM_001363515.2); short protein forms E424Q, E484Q.
Identifiers: ClinVar variation 3573915 (VCV003573915.1).